The following is an entry in ClinVar:

ClinVar aggregate classification (germline): Uncertain significance (1 of 4 stars; one submission).

gnomAD v4.1: 19 of 1,605,764 alleles (0.0012%); highest among the groups gnomAD compares: Middle Eastern, 0.082%; no homozygotes.

Submission:

Labcorp Genetics (formerly Invitae), Labcorp
Classification: Uncertain significance. Last evaluated: 2024-04-09. Review status: criteria provided, single submitter. Criteria: Invitae Variant Classification Sherloc (09022015). Collection method: clinical testing. Allele origin: germline.
Comment: This sequence change replaces alanine, which is neutral and non-polar, with threonine, which is neutral and polar, at codon 1313 of the LRRK1 protein (p.Ala1313Thr). This variant is present in population databases (rs774091908, gnomAD 0.003%). This variant has not been reported in the literature in individuals affected with LRRK1-related conditions. An algorithm developed to predict the effect of missense changes on protein structure and function (PolyPhen-2) suggests that this variant¬†is likely to be tolerated. In summary, the available evidence is currently insufficient to determine the role of this variant in disease. Therefore, it has been classified as a Variant of Uncertain Significance.

NM_024652.6(LRRK1):c.3937G>A (p.Ala1313Thr)

Genes: LRRK1 (leucine rich repeat kinase 1; plus strand), LRRK1-AS1 (LRRK1 antisense RNA 1; minus strand). Cytogenetic location: 15q26.3.
Variant type: single nucleotide variant.
Coding change: c.3937G>A on transcript NM_024652.6 (MANE Select); coding-DNA position 3937, G replaced by A.
Protein change: p.Ala1313Thr; replaces alanine 1313 with threonine.
Molecular consequence: missense variant.
Genome position (GRCh38, 1-based): chr15:101,053,303, G>A. VCF-style: chr15-101053303-G-A. GRCh37 (hg19) VCF-style: chr15-101593508-G-A.
Other names: short protein forms A1313T.
Identifiers: ClinVar variation 3644244 (VCV003644244.1).